The following is an entry in ClinVar:

NM_000038.6(APC):c.809A>C (p.Asn270Thr)

Gene: APC (APC regulator of Wnt signaling pathway; plus strand). Cytogenetic location: 5q22.2.
Variant type: single nucleotide variant.
Coding change: c.809A>C on transcript NM_000038.6 (MANE Select); coding-DNA position 809, A replaced by C.
Protein change: p.Asn270Thr; replaces asparagine 270 with threonine.
Molecular consequence: missense variant. On other transcripts: 5 prime UTR variant (1).
Genome position (GRCh38, 1-based): chr5:112,801,358, A>C. VCF-style: chr5-112801358-A-C. GRCh37 (hg19) VCF-style: chr5-112137055-A-C.
Other names: c.809A>C, p.Asn270Thr (NM_001127510.3, NM_001354895.2, NM_001354896.2 and 1 more transcripts); c.755A>C, p.Asn252Thr (NM_001127511.3); c.839A>C, p.Asn280Thr (NM_001354897.2, NM_001354902.2); c.734A>C, p.Asn245Thr (NM_001354898.2, NM_001354904.2); c.725A>C, p.Asn242Thr (NM_001354899.2); c.632A>C, p.Asn211Thr (NM_001354900.2, NM_001354901.2, NM_001354905.2); c.-227A>C (NM_001354906.2); short protein forms N211T, N242T, N245T, N252T, N270T, N280T.
Identifiers: ClinVar variation 1058507 (VCV001058507.13), dbSNP rs758069998, ClinGen allele CA049883.

ClinVar aggregate classification (germline): Uncertain significance. Review status: criteria provided, multiple submitters, no conflicts (2 of 4 stars). 2 submissions from 2 submitters: Uncertain significance (2). Last evaluated 2026-02-02.

Conditions:
Hereditary cancer-predisposing syndrome. Also called: Neoplastic Syndromes, Hereditary; Hereditary Cancer Syndrome; Hereditary neoplastic syndrome; Tumor predisposition. Identifiers: Orphanet 140162, MedGen C0027672, MeSH D009386, MONDO:0015356.
Familial adenomatous polyposis 1 (FAP1). Also called: FAMILIAL ADENOMATOUS POLYPOSIS 1, ATTENUATED; POLYPOSIS, ADENOMATOUS INTESTINAL. Identifiers: MedGen C2713442, MONDO:0021056, OMIM 175100. Disease mechanism: loss of function.

Allele frequency attached by ClinVar (database versions not stated): TOPMed below 0.00001; gnomAD 0.00001.
gnomAD v4.1: 1 of 1,611,774 alleles (0.000062%); highest among the groups gnomAD compares: African/African-American, 0.0013%; no homozygotes.

Submissions (2):

Labcorp Genetics (formerly Invitae), Labcorp
Classification: Uncertain significance for Familial adenomatous polyposis 1. Last evaluated: 2026-02-02. Review status: criteria provided, single submitter. Criteria: Invitae Variant Classification Sherloc (09022015). Collection method: clinical testing. Allele origin: germline.
Comment: This sequence change replaces asparagine, which is neutral and polar, with threonine, which is neutral and polar, at codon 270 of the APC protein (p.Asn270Thr). This variant is present in population databases (rs758069998, gnomAD 0.007%). This variant has not been reported in the literature in individuals affected with APC-related conditions. ClinVar contains an entry for this variant (Variation ID: 1058507). Invitae Evidence Modeling of protein sequence and biophysical properties (such as structural, functional, and spatial information, amino acid conservation, physicochemical variation, residue mobility, and thermodynamic stability) indicates that this missense variant is not expected to disrupt APC protein function with a negative predictive value of 95%. In summary, the available evidence is currently insufficient to determine the role of this variant in disease. Therefore, it has been classified as a Variant of Uncertain Significance.

Ambry Genetics
Classification: Uncertain significance for Hereditary cancer-predisposing syndrome. Last evaluated: 2024-03-19. Review status: criteria provided, single submitter. Criteria: Ambry Variant Classification Scheme 2023. Collection method: clinical testing. Allele origin: germline.
Comment: The p.N270T variant (also known as c.809A>C), located in coding exon 7 of the APC gene, results from an A to C substitution at nucleotide position 809. The asparagine at codon 270 is replaced by threonine, an amino acid with similar properties. This amino acid position is not well conserved in available vertebrate species. In addition, in silico predictors for this gene do not accurately predict pathogenicity. Since supporting evidence is limited at this time, the clinical significance of this alteration remains unclear.